The following is an entry in ClinVar:

ClinVar aggregate classification (germline): Pathogenic. Review status: criteria provided, multiple submitters, no conflicts (2 of 4 stars). 2 submissions from 2 submitters: Pathogenic (2). Last evaluated 2023-08-28.

Conditions:
Hereditary cancer-predisposing syndrome. Also called: Neoplastic Syndromes, Hereditary; Hereditary neoplastic syndrome; Tumor predisposition; Hereditary Cancer Syndrome. Identifiers: Orphanet 140162, MedGen C0027672, MeSH D009386, MONDO:0015356.
Microcephaly, normal intelligence and immunodeficiency (NBS). Also called: Microcephaly with normal intelligence immunodeficiency and lymphoreticular malignancies; Nonsyndromal microcephaly autosomal recessive with normal intelligence; Seemanova syndrome 2; Immunodeficiency, microcephaly with normal intelligence; SEEMANOVA SYNDROME II; Ataxia telangiectasia variant V1. Identifiers: Orphanet 647, MedGen C0398791, MONDO:0009623, OMIM 251260.

Submissions (2):

Labcorp Genetics (formerly Invitae), Labcorp
Classification: Pathogenic for Microcephaly, normal intelligence and immunodeficiency. Last evaluated: 2023-08-28. Review status: criteria provided, single submitter. Criteria: Invitae Variant Classification Sherloc (09022015). Collection method: clinical testing. Allele origin: germline.
Comment: This variant has not been reported in the literature in individuals affected with NBN-related conditions. This sequence change creates a premature translational stop signal (p.Arg445*) in the NBN gene. It is expected to result in an absent or disrupted protein product. Loss-of-function variants in NBN are known to be pathogenic (PMID: 9590180, 16415040). This variant is not present in population databases (gnomAD no frequency). ClinVar contains an entry for this variant (Variation ID: 660286). For these reasons, this variant has been classified as Pathogenic.

Ambry Genetics
Classification: Pathogenic for Hereditary cancer-predisposing syndrome. Last evaluated: 2021-03-30. Review status: criteria provided, single submitter. Criteria: Ambry Variant Classification Scheme 2023. Collection method: clinical testing. Allele origin: germline.
Comment: The c.1332dupT variant, located in coding exon 10 of the NBN gene, results from a duplication of T at nucleotide position 1332, causing a translational frameshift with a predicted alternate stop codon (p.R445*). This alteration is expected to result in loss of function by premature protein truncation or nonsense-mediated mRNA decay. As such, this alteration is interpreted as a disease-causing mutation.

Literature cited by the submitters: PubMed 9590180 (cited by Labcorp Genetics (formerly Invitae), Labcorp); PubMed 16415040 (cited by Labcorp Genetics (formerly Invitae), Labcorp).

NM_002485.5(NBN):c.1332dup (p.Arg445Ter)

Gene: NBN (nibrin; minus strand). Cytogenetic location: 8q21.3.
Variant type: Duplication.
Coding change: c.1332dup on transcript NM_002485.5 (MANE Select); coding-DNA position 1332, one base duplicated (T; older notation c.1332dupT).
Protein change: p.Arg445Ter; replaces arginine 445 with a stop codon.
Molecular consequence: nonsense.
Genome position (GRCh38, 1-based): chr8:89,955,348, A duplicated on the plus strand (T on the coding strand, the reverse complement: NBN is on the minus strand). VCF-style (leftmost placement, unchanged base first): chr8-89955347-T-TA. GRCh37 (hg19) VCF-style: chr8-90967575-T-TA.
Other names: c.1332dupT (NM_002485.4); c.1086dup, p.Arg363Ter (NM_001024688.3); short protein forms R363*, R445*.
Identifiers: ClinVar variation 660286 (VCV000660286.9), dbSNP rs1586058444, ClinGen allele CA915945776.